The following is an entry in ClinVar:

NM_024675.4(PALB2):c.236A>G (p.Tyr79Cys)

Gene: PALB2 (partner and localizer of BRCA2; minus strand). Cytogenetic location: 16p12.2.
Variant type: single nucleotide variant.
Coding change: c.236A>G on transcript NM_024675.4 (MANE Select); coding-DNA position 236, A replaced by G.
Protein change: p.Tyr79Cys; replaces tyrosine 79 with cysteine.
Molecular consequence: missense variant.
Genome position (GRCh38, 1-based): chr16:23,636,310, T>C on the plus strand (A>G on the coding strand, the complement: PALB2 is on the minus strand). VCF-style: chr16-23636310-T-C. GRCh37 (hg19) VCF-style: chr16-23647631-T-C.
Other names: short protein forms Y79C.
Identifiers: ClinVar variation 927829 (VCV000927829.7), dbSNP rs766710382, ClinGen allele CA395138939.
Genomic context (GRCh38, chr16:23,636,310, plus strand): 5'-GTGATAGATGTCTTTTCTCCAGTTTCTTCATCAAGATGGGTTTTGATGTGTAACTTGTCA[T>C]AAACACATATTTTATTTTTAGGTTCTGAGGAGGAAAAAAATGTATATAACTTATATTTTT-3'
Protein context (NP_078951.2, residues 69-89): HSEPKNKICV[Tyr79Cys]DKLHIKTHLD

ClinVar aggregate classification (germline): Conflicting classifications of pathogenicity. Review status: criteria provided, conflicting classifications (1 of 4 stars). 3 submissions from 3 submitters: Uncertain significance (2); Likely benign (1). Last evaluated 2025-11-05.

Conditions:
Hereditary cancer-predisposing syndrome. Also called: Neoplastic Syndromes, Hereditary; Hereditary Cancer Syndrome; Tumor predisposition; Hereditary neoplastic syndrome. Identifiers: Orphanet 140162, MedGen C0027672, MeSH D009386, MONDO:0015356.
Familial cancer of breast. Also called: Hereditary breast cancer; BREAST CANCER, FAMILIAL; hereditary breast carcinoma. Identifiers: Orphanet 227535, MedGen C0346153, MONDO:0016419, OMIM 114480. Disease mechanism: loss of function.

Submissions (3):

Labcorp Genetics (formerly Invitae), Labcorp
Classification: Uncertain significance for Familial cancer of breast. Last evaluated: 2025-11-05. Review status: criteria provided, single submitter. Criteria: Invitae Variant Classification Sherloc (09022015). Collection method: clinical testing. Allele origin: germline.
Comment: This sequence change replaces tyrosine, which is neutral and polar, with cysteine, which is neutral and slightly polar, at codon 79 of the PALB2 protein (p.Tyr79Cys). This variant is not present in population databases (gnomAD no frequency). This variant has not been reported in the literature in individuals affected with PALB2-related conditions. ClinVar contains an entry for this variant (Variation ID: 927829). An algorithm developed to predict the effect of missense changes on protein structure and function outputs the following: PolyPhen-2: "Benign". The cysteine amino acid residue is found in multiple mammalian species, which suggests that this missense change does not adversely affect protein function. In summary, the available evidence is currently insufficient to determine the role of this variant in disease. Therefore, it has been classified as a Variant of Uncertain Significance.

Color Diagnostics, LLC DBA Color Health
Classification: Uncertain significance for Hereditary cancer-predisposing syndrome. Last evaluated: 2024-03-06. Review status: criteria provided, single submitter. Criteria: ACMG Guidelines, 2015. Collection method: clinical testing. Allele origin: germline.
Comment: This missense variant replaces tyrosine with cysteine at codon 79 of the PALB2 protein. Computational prediction suggests that this variant may not impact protein structure and function (internally defined REVEL score threshold <= 0.5, PMID: 27666373). Splice site prediction tools suggest that this variant may not impact RNA splicing. To our knowledge, functional studies have not been performed for this variant. This variant has not been reported in individuals affected with hereditary cancer in the literature. This variant has not been identified in the general population by the Genome Aggregation Database (gnomAD). The available evidence is insufficient to determine the role of this variant in disease conclusively. Therefore, this variant is classified as a Variant of Uncertain Significance.

Ambry Genetics
Classification: Likely benign for Hereditary cancer-predisposing syndrome. Last evaluated: 2022-10-21. Review status: criteria provided, single submitter. Criteria: Ambry Variant Classification Scheme 2023. Collection method: clinical testing. Allele origin: germline.